The following is an entry in ClinVar:

ClinVar aggregate classification (germline): Uncertain significance (1 of 4 stars; one submission).

Submission:

Labcorp Genetics (formerly Invitae), Labcorp
Classification: Uncertain significance. Last evaluated: 2024-10-15. Review status: criteria provided, single submitter. Criteria: Invitae Variant Classification Sherloc (09022015). Collection method: clinical testing. Allele origin: germline.
Comment: This sequence change replaces leucine, which is neutral and non-polar, with valine, which is neutral and non-polar, at codon 551 of the ARHGEF18 protein (p.Leu551Val). This variant is not present in population databases (gnomAD no frequency). This variant has not been reported in the literature in individuals affected with ARHGEF18-related conditions. ClinVar contains an entry for this variant (Variation ID: 2001156). An algorithm developed to predict the effect of missense changes on protein structure and function (PolyPhen-2) suggests that this variant is likely to be disruptive. Algorithms developed to predict the effect of sequence changes on RNA splicing suggest that this variant may create or strengthen a splice site. In summary, the available evidence is currently insufficient to determine the role of this variant in disease. Therefore, it has been classified as a Variant of Uncertain Significance.

NM_001367823.1(ARHGEF18):c.2215C>G (p.Leu739Val)

Gene: ARHGEF18 (Rho/Rac guanine nucleotide exchange factor 18; plus strand). Cytogenetic location: 19p13.2.
Variant type: single nucleotide variant.
Coding change: c.2215C>G on transcript NM_001367823.1 (MANE Select); coding-DNA position 2215, C replaced by G.
Protein change: p.Leu739Val; replaces leucine 739 with valine.
Molecular consequence: missense variant.
Genome position (GRCh38, 1-based): chr19:7,458,545, C>G. VCF-style: chr19-7458545-C-G. GRCh37 (hg19) VCF-style: chr19-7523431-C-G.
Other names: c.1489C>G, p.Leu497Val (NM_001130955.2); c.1177C>G, p.Leu393Val (NM_001367824.1, NM_015318.4); short protein forms L739V, L497V, L393V.
Identifiers: ClinVar variation 2001156 (VCV002001156.4), dbSNP rs2512295817, ClinGen allele CA403117459.